The following is an entry in ClinVar:

ClinVar aggregate classification (germline): Pathogenic/Likely pathogenic. Review status: criteria provided, multiple submitters, no conflicts (2 of 4 stars). 3 submissions from 3 submitters: Pathogenic (1); Likely pathogenic (2). Last evaluated 2025-05-09.

Conditions:
CEP78-related disorder. Also called: CEP78-related condition.

Allele frequency attached by ClinVar (database versions not stated): gnomAD exomes below 0.00001; ExAC 0.00001; gnomAD 0.00001; TOPMed 0.00002.
gnomAD v4.1: 2 of 1,613,374 alleles (0.00012%); highest among the groups gnomAD compares: Non-Finnish European, 0.00017%; no homozygotes.

Submissions (3):

PreventionGenetics, part of Exact Sciences
Classification: Likely pathogenic for CEP78-related condition. Last evaluated: 2025-05-09. Review status: criteria provided, single submitter. Criteria: ACMG Guidelines, 2015. Collection method: clinical testing. Allele origin: germline.
Comment: The CEP78 c.635G>A variant is predicted to result in premature protein termination (p.Trp212*). This variant was reported, in the compound heterozygous state with a whole gene deletion, in an individual with atypical Usher syndrome (Igelman et al. 2021. PubMed ID: 34223797). This variant is reported in 0.00089% of alleles in individuals of European (Non-Finnish) descent in gnomAD. Nonsense variants in CEP78 are expected to be pathogenic. This variant is interpreted as likely pathogenic.

Labcorp Genetics (formerly Invitae), Labcorp
Classification: Pathogenic. Last evaluated: 2022-06-23. Review status: criteria provided, single submitter. Criteria: Invitae Variant Classification Sherloc (09022015). Collection method: clinical testing. Allele origin: germline.
Comment: For these reasons, this variant has been classified as Pathogenic. ClinVar contains an entry for this variant (Variation ID: 938180). This variant has not been reported in the literature in individuals affected with CEP78-related conditions. This variant is not present in population databases (gnomAD no frequency). This sequence change creates a premature translational stop signal (p.Trp212*) in the CEP78 gene. It is expected to result in an absent or disrupted protein product. Loss-of-function variants in CEP78 are known to be pathogenic (PMID: 27588451, 27588452, 27627988).

Blueprint Genetics
Classification: Likely pathogenic for CEP78-related disorders. Last evaluated: 2020-10-28. Review status: criteria provided, single submitter. Criteria: ACMG Guidelines, 2015. Collection method: clinical testing. Allele origin: germline. Affected: yes. Observed: 2 variant alleles.

Literature cited by the submitters: PubMed 27588451 (cited by Labcorp Genetics (formerly Invitae), Labcorp); PubMed 27588452 (cited by Labcorp Genetics (formerly Invitae), Labcorp); PubMed 27627988 (cited by Labcorp Genetics (formerly Invitae), Labcorp).

NM_001330691.3(CEP78):c.635G>A (p.Trp212Ter)

Gene: CEP78 (centrosomal protein 78; plus strand). Cytogenetic location: 9q21.2.
Variant type: single nucleotide variant.
Coding change: c.635G>A on transcript NM_001330691.3 (MANE Select); coding-DNA position 635, G replaced by A.
Protein change: p.Trp212Ter; replaces tryptophan 212 with a stop codon.
Molecular consequence: nonsense.
Genome position (GRCh38, 1-based): chr9:78,243,493, G>A. VCF-style: chr9-78243493-G-A. GRCh37 (hg19) VCF-style: chr9-80858409-G-A.
Other names: c.635G>A, p.Trp212Ter (NM_001098802.3, NM_001330693.3, NM_001330694.2 and 4 more transcripts); short protein forms W212*.
Identifiers: ClinVar variation 938180 (VCV000938180.9), dbSNP rs755103128, ClinGen allele CA5094990.